The following is an entry in ClinVar:

NM_000256.3(MYBPC3):c.3372C>T (p.Cys1124=)

Gene: MYBPC3 (myosin binding protein C3; minus strand). Cytogenetic location: 11p11.2.
Variant type: single nucleotide variant.
Coding change: c.3372C>T on transcript NM_000256.3 (MANE Select); coding-DNA position 3372, C replaced by T.
Protein change: p.Cys1124=; no amino-acid change (cysteine 1124 retained).
Molecular consequence: synonymous variant.
Genome position (GRCh38, 1-based): chr11:47,332,932, G>A on the plus strand (C>T on the coding strand, the complement: MYBPC3 is on the minus strand). VCF-style: chr11-47332932-G-A. GRCh37 (hg19) VCF-style: chr11-47354483-G-A.
Identifiers: ClinVar variation 700151 (VCV000700151.16), dbSNP rs727504289, ClinGen allele CA221682283.

ClinVar aggregate classification (germline): Likely benign. Review status: criteria provided, multiple submitters, no conflicts (2 of 4 stars). 5 submissions from 5 submitters: Likely benign (5). Last evaluated 2025-10-30.

Conditions:
Cardiomyopathy (CMYO). Also called: Cardiomyopathies. Identifiers: Orphanet 167848, MedGen C0878544, MONDO:0004994, HP:0001638. Inheritance: Various modes of inheritance.
Cardiovascular phenotype. Identifiers: MedGen CN230736.
Hypertrophic cardiomyopathy. Also called: HYPERTROPHIC MYOCARDIOPATHY. Identifiers: Orphanet 217569, MedGen C0007194, MeSH D002312, MONDO:0005045, HP:0001639.

Allele frequency attached by ClinVar (database versions not stated): gnomAD 0.00001; TOPMed 0.00001.
gnomAD v4.1: 22 of 1,610,484 alleles (0.0014%); highest among the groups gnomAD compares: South Asian, 0.0033%; no homozygotes.

Submissions (5):

Labcorp Genetics (formerly Invitae), Labcorp
Classification: Likely benign for Hypertrophic cardiomyopathy. Last evaluated: 2025-10-30. Review status: criteria provided, single submitter. Criteria: Invitae Variant Classification Sherloc (09022015). Collection method: clinical testing. Allele origin: germline.

All of Us Research Program, National Institutes of Health
Classification: Likely benign for Hypertrophic cardiomyopathy. Last evaluated: 2023-04-03. Review status: criteria provided, single submitter. Criteria: ACMG Guidelines, 2015. Collection method: clinical testing. Allele origin: germline. Inheritance: Autosomal dominant inheritance. Observed: 1 variant allele, 1 heterozygote.
Comment: This study involves interpretation of variants in research participants for the purpose of population health screening. Participant phenotype was not available at the time of variant classification. Additional details can be found in publication PMID: 35346344, PMCID: PMC8962531

Blueprint Genetics
Classification: Likely benign. Last evaluated: 2020-05-26. Review status: criteria provided, single submitter. Criteria: ACMG Guidelines, 2015. Collection method: clinical testing. Allele origin: germline.

Color Diagnostics, LLC DBA Color Health
Classification: Likely benign for Cardiomyopathy. Last evaluated: 2020-02-17. Review status: criteria provided, single submitter. Criteria: ACMG Guidelines, 2015. Collection method: clinical testing. Allele origin: germline.

Ambry Genetics
Classification: Likely benign for Cardiovascular phenotype. Last evaluated: 2019-09-20. Review status: criteria provided, single submitter. Criteria: Ambry Variant Classification Scheme 2023. Collection method: clinical testing. Allele origin: germline.